The following is an entry in ClinVar:

ClinVar aggregate classification (germline): Conflicting classifications of pathogenicity. Review status: criteria provided, conflicting classifications (1 of 4 stars). 3 submissions from 3 submitters: Uncertain significance (2); Likely benign (1). Last evaluated 2022-05-27.

Conditions:
Hereditary hemorrhagic telangiectasia (HHT). Also called: ORW DISEASE; Osler Weber Rendu syndrome; OSLER-RENDU-WEBER DISEASE; Osler hemorrhagic telangiectasia syndrome. Identifiers: Orphanet 774, MedGen C0039445, MONDO:0019180. Disease mechanism: loss of function.
Telangiectasia, hereditary hemorrhagic, type 1 (HHT1). Also called: Osler Weber Rendu syndrome type 1; ENG-Related Hereditary Hemorrhagic Telangiectasia. Identifiers: Orphanet 774, MedGen C4551861, MONDO:0008535, OMIM 187300. Disease mechanism: loss of function.

Allele frequency attached by ClinVar (database versions not stated): gnomAD 0.00017; TOPMed 0.00011; gnomAD exomes 0.00013.
gnomAD v4.1: 83 of 595,262 alleles (0.014%); highest among the groups gnomAD compares: Non-Finnish European, 0.02%; no homozygotes.

Submissions (3):

Labcorp Genetics (formerly Invitae), Labcorp
Classification: Uncertain significance for Hereditary hemorrhagic telangiectasia. Last evaluated: 2022-05-27. Review status: criteria provided, single submitter. Criteria: Invitae Variant Classification Sherloc (09022015). Collection method: clinical testing. Allele origin: germline.
Comment: This variant occurs in a non-coding region of the ENG gene. It does not change the encoded amino acid sequence of the ENG protein. This variant is present in population databases (no rsID available, gnomAD 0.02%). This variant has not been reported in the literature in individuals affected with ENG-related conditions. ClinVar contains an entry for this variant (Variation ID: 618083). Experimental studies and prediction algorithms are not available or were not evaluated, and the functional significance of this variant is currently unknown. In summary, the available evidence is currently insufficient to determine the role of this variant in disease. Therefore, it has been classified as a Variant of Uncertain Significance.

Illumina Laboratory Services, Illumina
Classification: Uncertain significance for Telangiectasia, hereditary hemorrhagic, type 1. Last evaluated: 2018-01-13. Review status: criteria provided, single submitter. Criteria: ICSL Variant Classification Criteria 13 December 2019. Collection method: clinical testing. Allele origin: germline.

ARUP Laboratories, Molecular Genetics and Genomics, ARUP Laboratories
Classification: Likely benign. Last evaluated: 2017-05-16. Review status: criteria provided, single submitter. Criteria: ARUP Molecular Germline Variant Investigation Process. Collection method: clinical testing. Allele origin: germline.

NM_001114753.3(ENG):c.-188G>A

Gene: ENG (endoglin; minus strand). Cytogenetic location: 9q34.11.
Variant type: single nucleotide variant.
Coding change: c.-188G>A on transcript NM_001114753.3 (MANE Select); 188 bases upstream of the start codon, G replaced by A.
Molecular consequence: 5 prime UTR variant.
Genome position (GRCh38, 1-based): chr9:127,854,543, C>T on the plus strand (G>A on the coding strand, the complement: ENG is on the minus strand). VCF-style: chr9-127854543-C-T. GRCh37 (hg19) VCF-style: chr9-130616822-C-T.
Other names: c.-188G>A (NM_000118.4, NM_001406715.1).
Identifiers: ClinVar variation 618083 (VCV000618083.13), dbSNP rs961480381, ClinGen allele CA200326880.